The following is an entry in ClinVar:

NM_005629.4(SLC6A8):c.1732G>A (p.Gly578Ser)

Gene: SLC6A8 (solute carrier family 6 member 8; plus strand). Cytogenetic location: Xq28.
Variant type: single nucleotide variant.
Coding change: c.1732G>A on transcript NM_005629.4 (MANE Select); coding-DNA position 1732, G replaced by A.
Protein change: p.Gly578Ser; replaces glycine 578 with serine.
Molecular consequence: missense variant.
Genome position (GRCh38, 1-based): chrX:153,694,854, G>A. VCF-style: chrX-153694854-G-A. GRCh37 (hg19) VCF-style: chrX-152960309-G-A.
Other names: c.1702G>A, p.Gly568Ser (NM_001142805.2); c.1387G>A, p.Gly463Ser (NM_001142806.1); c.1732G>A (NM_005629.3); short protein forms G463S, G578S, G568S.
Identifiers: ClinVar variation 2066894 (VCV002066894.5), dbSNP rs2522170274, ClinGen allele CA415090949.

ClinVar aggregate classification (germline): Uncertain significance. Review status: criteria provided, multiple submitters, no conflicts (2 of 4 stars). 2 submissions from 2 submitters: Uncertain significance (2). Last evaluated 2023-04-16.

Conditions:
Creatine transporter deficiency (CCDS1). Also called: CEREBRAL CREATINE DEFICIENCY SYNDROME 1; Creatine Transporter (CRTR) Deficiency; Mental retardation , X-linked with seizures, short stature and midface hypoplasia; Mental retardation , X-linked, with creatine transport deficiency; X-linked creatine transporter deficiency; X-linked creatine deficiency syndrome. Identifiers: Orphanet 52503, MedGen C1845862, MONDO:0010305, OMIM 300352.

Submissions (2):

GeneDx
Classification: Uncertain significance. Last evaluated: 2023-04-16. Review status: criteria provided, single submitter. Criteria: GeneDx Variant Classification Process June 2021. Collection method: clinical testing. Allele origin: germline. Affected: yes.
Comment: Not observed at significant frequency in large population cohorts (gnomAD); In silico analysis supports that this missense variant does not alter protein structure/function; Has not been previously published as pathogenic or benign to our knowledge

Labcorp Genetics (formerly Invitae), Labcorp
Classification: Uncertain significance for Creatine transporter deficiency. Last evaluated: 2021-12-30. Review status: criteria provided, single submitter. Criteria: Invitae Variant Classification Sherloc (09022015). Collection method: clinical testing. Allele origin: germline.
Comment: In summary, the available evidence is currently insufficient to determine the role of this variant in disease. Therefore, it has been classified as a Variant of Uncertain Significance. Advanced modeling of protein sequence and biophysical properties (such as structural, functional, and spatial information, amino acid conservation, physicochemical variation, residue mobility, and thermodynamic stability) performed at Invitae indicates that this missense variant is not expected to disrupt SLC6A8 protein function. This variant has not been reported in the literature in individuals affected with SLC6A8-related conditions. This variant is not present in population databases (gnomAD no frequency). This sequence change replaces glycine, which is neutral and non-polar, with serine, which is neutral and polar, at codon 578 of the SLC6A8 protein (p.Gly578Ser).